The following is an entry in ClinVar:

ClinVar aggregate classification (germline): Uncertain significance. Review status: criteria provided, multiple submitters, no conflicts (2 of 4 stars). 3 submissions from 3 submitters: Uncertain significance (2). 1 of the submissions does not count toward it. Last evaluated 2025-01-23.

Conditions:
Neurofibromatosis, type 1 (NF1). Also called: NEUROFIBROMATOSIS, TYPE I, SOMATIC; VON RECKLINGHAUSEN DISEASE; Peripheral type neurofibromatosis; Neurofibromatosis, type I. Identifiers: Orphanet 636, MedGen C0027831, MONDO:0018975, OMIM 162200. Disease mechanism: loss of function.
NF1-related disorder. Also called: NF1-related condition. Identifiers: MedGen CN379171.
Hereditary cancer-predisposing syndrome. Also called: Neoplastic Syndromes, Hereditary; Hereditary Cancer Syndrome; Tumor predisposition; Hereditary neoplastic syndrome. Identifiers: Orphanet 140162, MedGen C0027672, MeSH D009386, MONDO:0015356.
Cardiovascular phenotype. Identifiers: MedGen CN230736.

Allele frequency attached by ClinVar (database versions not stated): TOPMed 0.00001.

Submissions (3):

Ambry Genetics
Classification: Uncertain significance for Cardiovascular phenotype; Hereditary cancer-predisposing syndrome. Last evaluated: 2025-01-23. Review status: criteria provided, single submitter. Criteria: Ambry Variant Classification Scheme 2023. Collection method: clinical testing. Allele origin: germline.
Comment: The p.S593N variant (also known as c.1778G>A), located in coding exon 16 of the NF1 gene, results from a G to A substitution at nucleotide position 1778. The serine at codon 593 is replaced by asparagine, an amino acid with highly similar properties. This amino acid position is well conserved in available vertebrate species. In addition, this alteration is predicted to be tolerated by in silico analysis. Since supporting evidence is limited at this time, the clinical significance of this alteration remains unclear.

Labcorp Genetics (formerly Invitae), Labcorp
Classification: Uncertain significance for Neurofibromatosis, type 1. Last evaluated: 2022-09-22. Review status: criteria provided, single submitter. Criteria: Invitae Variant Classification Sherloc (09022015). Collection method: clinical testing. Allele origin: germline.
Comment: In summary, the available evidence is currently insufficient to determine the role of this variant in disease. Therefore, it has been classified as a Variant of Uncertain Significance. Advanced modeling of protein sequence and biophysical properties (such as structural, functional, and spatial information, amino acid conservation, physicochemical variation, residue mobility, and thermodynamic stability) has been performed at Invitae for this missense variant, however the output from this modeling did not meet the statistical confidence thresholds required to predict the impact of this variant on NF1 protein function. This sequence change replaces serine, which is neutral and polar, with asparagine, which is neutral and polar, at codon 593 of the NF1 protein (p.Ser593Asn). This variant is not present in population databases (gnomAD no frequency). This variant has not been reported in the literature in individuals affected with NF1-related conditions. ClinVar contains an entry for this variant (Variation ID: 1037990).

PreventionGenetics, part of Exact Sciences
Classification: Uncertain significance for NF1-related condition. Last evaluated: 2024-08-23. Review status: no assertion criteria provided. Collection method: clinical testing. Allele origin: germline. Not counted in ClinVar's aggregate classification.
Comment: The NF1 c.1778G>A variant is predicted to result in the amino acid substitution p.Ser593Asn. To our knowledge, this variant has not been reported in the literature or in a large population database, indicating this variant is rare. At this time, the clinical significance of this variant is uncertain due to the absence of conclusive functional and genetic evidence.

NM_001042492.3(NF1):c.1778G>A (p.Ser593Asn)

Gene: NF1 (neurofibromin 1; plus strand). Cytogenetic location: 17q11.2.
Variant type: single nucleotide variant.
Coding change: c.1778G>A on transcript NM_001042492.3 (MANE Select); coding-DNA position 1778, G replaced by A.
Protein change: p.Ser593Asn; replaces serine 593 with asparagine.
Molecular consequence: missense variant.
Genome position (GRCh38, 1-based): chr17:31,223,500, G>A. VCF-style: chr17-31223500-G-A. GRCh37 (hg19) VCF-style: chr17-29550518-G-A.
Other names: c.1778G>A, p.Ser593Asn (NM_000267.4); short protein forms S593N.
Identifiers: ClinVar variation 1037990 (VCV001037990.9), dbSNP rs2066963100, ClinGen allele CA399004281.